The following is an entry in ClinVar:

ClinVar aggregate classification (germline): Uncertain significance (1 of 4 stars; one submission).

Conditions:
Seizures, benign familial infantile, 3 (BFIS3). Also called: CONVULSIONS, BENIGN FAMILIAL INFANTILE, 3; Familial neonatal seizures. Identifiers: Orphanet 140927, Orphanet 306, MedGen C1843140, MONDO:0011904, OMIM 607745.
Developmental and epileptic encephalopathy, 11 (DEE11). Also called: Early infantile epileptic encephalopathy 11. Identifiers: Orphanet 1934, MedGen C3150987, MONDO:0013388, OMIM 613721.

gnomAD v4.1: 2 of 1,613,858 alleles (0.00012%); highest among the groups gnomAD compares: South Asian, 0.0011%; no homozygotes.

Submission:

Labcorp Genetics (formerly Invitae), Labcorp
Classification: Uncertain significance for Seizures, benign familial infantile, 3; Developmental and epileptic encephalopathy, 11. Last evaluated: 2022-04-01. Review status: criteria provided, single submitter. Criteria: Invitae Variant Classification Sherloc (09022015). Collection method: clinical testing. Allele origin: germline.
Comment: This sequence change replaces cysteine, which is neutral and slightly polar, with tyrosine, which is neutral and polar, at codon 1940 of the SCN2A protein (p.Cys1940Tyr). This variant is present in population databases (rs755792692, gnomAD 0.003%). This variant has not been reported in the literature in individuals affected with SCN2A-related conditions. Algorithms developed to predict the effect of missense changes on protein structure and function (SIFT, PolyPhen-2, Align-GVGD) all suggest that this variant is likely to be tolerated. In summary, the available evidence is currently insufficient to determine the role of this variant in disease. Therefore, it has been classified as a Variant of Uncertain Significance.

NM_001040142.2(SCN2A):c.5819G>A (p.Cys1940Tyr)

Gene: SCN2A (sodium voltage-gated channel alpha subunit 2; plus strand). Cytogenetic location: 2q24.3.
Variant type: single nucleotide variant.
Coding change: c.5819G>A on transcript NM_001040142.2 (MANE Select); coding-DNA position 5819, G replaced by A.
Protein change: p.Cys1940Tyr; replaces cysteine 1940 with tyrosine.
Molecular consequence: missense variant.
Genome position (GRCh38, 1-based): chr2:165,389,625, G>A. VCF-style: chr2-165389625-G-A. GRCh37 (hg19) VCF-style: chr2-166246135-G-A.
Other names: c.5819G>A, p.Cys1940Tyr (NM_001040143.2, NM_001371246.1, NM_001371247.1 and 1 more transcripts); short protein forms C1940Y.
Identifiers: ClinVar variation 2120550 (VCV002120550.4), dbSNP rs755792692, ClinGen allele CA1940433.